The following is an entry in ClinVar:

ClinVar aggregate classification (germline): Pathogenic (1 of 4 stars; one submission).

Conditions:
Myofibrillar myopathy 5. Also called: Filaminopathy (type); FILAMINOPATHY, AUTOSOMAL DOMINANT. Identifiers: Orphanet 171445, MedGen C1836050, MONDO:0012289, OMIM 609524.
Distal myopathy with posterior leg and anterior hand involvement. Also called: WILLIAMS DISTAL MYOPATHY. Identifiers: Orphanet 63273, MedGen C3279722, MONDO:0013550, OMIM 614065.
Hypertrophic cardiomyopathy 26. Also called: Cardiomyopathy, familial hypertrophic, 26. Identifiers: Orphanet 75249, MedGen C4310749, MONDO:0014883, OMIM 617047.

Submission:

Labcorp Genetics (formerly Invitae), Labcorp
Classification: Pathogenic for Distal myopathy with posterior leg and anterior hand involvement; Myofibrillar myopathy 5; Hypertrophic cardiomyopathy 26. Last evaluated: 2024-10-05. Review status: criteria provided, single submitter. Criteria: Invitae Variant Classification Sherloc (09022015). Collection method: clinical testing. Allele origin: germline.
Comment: This sequence change creates a premature translational stop signal (p.Asn40Thrfs*18) in the FLNC gene. It is expected to result in an absent or disrupted protein product. Loss-of-function variants in FLNC are known to be pathogenic (PMID: 27908349). This variant is not present in population databases (gnomAD no frequency). This variant has not been reported in the literature in individuals affected with FLNC-related conditions. For these reasons, this variant has been classified as Pathogenic.

Literature cited by the submitters: PubMed 27908349.

NM_001458.5(FLNC):c.119del (p.Asn40fs)

Gene: FLNC (filamin C; plus strand). Cytogenetic location: 7q32.1.
Variant type: Deletion.
Coding change: c.119del on transcript NM_001458.5 (MANE Select); coding-DNA position 119, one base deleted (A; older notation c.119delA).
Protein change: p.Asn40fs; shifts the reading frame from asparagine 40.
Molecular consequence: frameshift variant.
Genome position (GRCh38, 1-based): chr7:128,830,756, A deleted; the last of 2 consecutive A bases (chr7:128,830,755-128,830,756); deleting either gives the same sequence. VCF-style (leftmost placement, unchanged base first): chr7-128830754-GA-G. GRCh37 (hg19) VCF-style: chr7-128470808-GA-G.
Other names: c.119del, p.Asn40fs (NM_001127487.2); short protein forms N40fs.
Identifiers: ClinVar variation 3752852 (VCV003752852.2).